The following is an entry in ClinVar:

NM_001127178.3(PIGG):c.1126G>A (p.Glu376Lys)

Gene: PIGG (phosphatidylinositol glycan anchor biosynthesis class G (EMM blood group); plus strand). Cytogenetic location: 4p16.3.
Variant type: single nucleotide variant.
Coding change: c.1126G>A on transcript NM_001127178.3 (MANE Select); coding-DNA position 1126, G replaced by A.
Protein change: p.Glu376Lys; replaces glutamic acid 376 with lysine.
Molecular consequence: missense variant. On other transcripts: 5 prime UTR variant (2), non-coding transcript variant (10), intron variant (1).
Genome position (GRCh38, 1-based): chr4:521,067, G>A. VCF-style: chr4-521067-G-A. GRCh37 (hg19) VCF-style: chr4-514856-G-A.
Other names: c.859G>A, p.Glu287Lys (NM_001289051.2, NM_001289053.2, NM_001345986.2 and 1 more transcripts); c.727G>A, p.Glu243Lys (NM_001289052.2); c.760G>A, p.Glu254Lys (NM_001289055.2); c.97G>A, p.Glu33Lys (NM_001345988.2); c.1126G>A, p.Glu376Lys (NM_001345989.2, NM_017733.5); c.-362G>A (NM_001345990.2, NM_001345991.2); c.52G>A, p.Glu18Lys (NM_001345994.2); c.848-593G>A (NM_001289057.2); short protein forms E287K, E376K, E18K, E254K, E33K, E243K.
Identifiers: ClinVar variation 1933179 (VCV001933179.2), dbSNP rs776791069, ClinGen allele CA2793234.

ClinVar aggregate classification (germline): Uncertain significance (1 of 4 stars; one submission).

Conditions:
Intellectual disability, autosomal recessive 53 (NEDHSCA). Also called: NEURODEVELOPMENTAL DISORDER WITH OR WITHOUT HYPOTONIA, SEIZURES, AND CEREBELLAR ATROPHY; GLYCOSYLPHOSPHATIDYLINOSITOL BIOSYNTHESIS DEFECT 13; Mental retardation, autosomal recessive 53. Identifiers: Orphanet 488635, MedGen C4310794, MONDO:0014832, OMIM 616917.

Allele frequency attached by ClinVar (database versions not stated): ExAC 0.00001; gnomAD exomes 0.00001.
gnomAD v4.1: 5 of 1,613,322 alleles (0.00031%); highest among the groups gnomAD compares: Admixed American, 0.005%; no homozygotes.

Submission:

Labcorp Genetics (formerly Invitae), Labcorp
Classification: Uncertain significance for Intellectual disability, autosomal recessive 53. Last evaluated: 2022-06-15. Review status: criteria provided, single submitter. Criteria: Invitae Variant Classification Sherloc (09022015). Collection method: clinical testing. Allele origin: germline.
Comment: This sequence change replaces glutamic acid, which is acidic and polar, with lysine, which is basic and polar, at codon 376 of the PIGG protein (p.Glu376Lys). This variant is present in population databases (rs776791069, gnomAD 0.01%). This variant has not been reported in the literature in individuals affected with PIGG-related conditions. Algorithms developed to predict the effect of missense changes on protein structure and function (SIFT, PolyPhen-2, Align-GVGD) all suggest that this variant is likely to be tolerated. In summary, the available evidence is currently insufficient to determine the role of this variant in disease. Therefore, it has been classified as a Variant of Uncertain Significance.